The following is an entry in ClinVar:

GRCh38/hg38 6q26-27(chr6:162042846-170608818)x1

Genes: MEAT6 (melanoma-associated transcript 6; minus strand), MIR1913 (microRNA 1913; minus strand), MIR3939 (microRNA 3939; minus strand), MIR4644 (microRNA 4644; plus strand), MPC1 (mitochondrial pyruvate carrier 1; minus strand) and 248 more. Cytogenetic location: 6q26-27.
Variant type: copy number loss.
Change: copy number 1 (one copy instead of two) of chr6:162,042,846-170,608,818 (8.57 Mb, GRCh38 coordinates, 1-based), cytogenetic band 6q26-27.
Identifiers: ClinVar variation 58468 (VCV000058468.2).

ClinVar aggregate classification (germline): Pathogenic (1 of 4 stars; one submission).

Submission:

ISCA Site 6
Classification: Pathogenic. Last evaluated: 2011-08-12. Review status: criteria provided, single submitter. Criteria: Kaminsky et al. (Genet Med. 2011). Collection method: clinical testing. Allele origin: unknown. Affected: yes. Observed: 1 variant allele.
Comment: Copy number variation identified through the course of routine clinical cytogenomic testing in postnatal populations. Clinical assertions have been curated as described in Kaminsky et al. 2011.